The following is an entry in ClinVar:

ClinVar aggregate classification (germline): Likely benign. Review status: criteria provided, multiple submitters, no conflicts (2 of 4 stars). 6 submissions from 6 submitters: Likely benign (6). Last evaluated 2026-08-01.

Conditions:
Cardiovascular phenotype. Identifiers: MedGen CN230736.
Cardiomyopathy (CMYO). Also called: Cardiomyopathies. Identifiers: Orphanet 167848, MedGen C0878544, MONDO:0004994, HP:0001638. Inheritance: Various modes of inheritance.
Arrhythmogenic right ventricular dysplasia 5. Also called: Arrhythmogenic Right Ventricular Dysplasia/Cardiomyopathy 5; ARRHYTHMOGENIC RIGHT VENTRICULAR DYSPLASIA, FAMILIAL, 5. Identifiers: MedGen C1858379, MONDO:0011459, OMIM 604400.

Allele frequency attached by ClinVar (database versions not stated): gnomAD exomes 0.00001 and 0.00002; ExAC 0.00002; gnomAD 0.00005 and 0.00006; TOPMed 0.00007.

Submissions (6):

CeGaT Center for Human Genetics Tuebingen
Classification: Likely benign. Last evaluated: 2026-08-01. Review status: criteria provided, single submitter. Criteria: CeGaT Center For Human Genetics Tuebingen Variant Classification Criteria Version 2. Collection method: clinical testing. Allele origin: germline. Affected: yes. Observed: 1 variant allele.
Comment: TMEM43: BP4, BP7

Labcorp Genetics (formerly Invitae), Labcorp
Classification: Likely benign for Arrhythmogenic right ventricular dysplasia 5. Last evaluated: 2025-12-02. Review status: criteria provided, single submitter. Criteria: Invitae Variant Classification Sherloc (09022015). Collection method: clinical testing. Allele origin: germline.

All of Us Research Program, National Institutes of Health
Classification: Likely benign for Arrhythmogenic right ventricular dysplasia 5. Last evaluated: 2023-11-20. Review status: criteria provided, single submitter. Criteria: ACMG Guidelines, 2015. Collection method: clinical testing. Allele origin: germline. Inheritance: Autosomal dominant inheritance. Observed: 4 variant alleles, 4 heterozygotes.
Comment: This study involves interpretation of variants in research participants for the purpose of population health screening. Participant phenotype was not available at the time of variant classification. Additional details can be found in publication PMID: 35346344, PMCID: PMC8962531

Color Diagnostics, LLC DBA Color Health
Classification: Likely benign for Cardiomyopathy. Last evaluated: 2022-02-07. Review status: criteria provided, single submitter. Criteria: ACMG Guidelines, 2015. Collection method: clinical testing. Allele origin: germline.

Ambry Genetics
Classification: Likely benign for Cardiovascular phenotype. Last evaluated: 2020-12-08. Review status: criteria provided, single submitter. Criteria: Ambry Variant Classification Scheme 2023. Collection method: clinical testing. Allele origin: germline.

GeneDx
Classification: Likely benign. Last evaluated: 2018-06-07. Review status: criteria provided, single submitter. Criteria: GeneDx Variant Classification (06012015). Collection method: clinical testing. Allele origin: germline. Affected: yes.
Comment: This variant is considered likely benign or benign based on one or more of the following criteria: it is a conservative change, it occurs at a poorly conserved position in the protein, it is predicted to be benign by multiple in silico algorithms, and/or has population frequency not consistent with disease.

NM_024334.3(TMEM43):c.981A>G (p.Thr327=)

Gene: TMEM43 (transmembrane protein 43; plus strand). Cytogenetic location: 3p25.1.
Variant type: single nucleotide variant.
Coding change: c.981A>G on transcript NM_024334.3 (MANE Select); coding-DNA position 981, A replaced by G.
Protein change: p.Thr327=; no amino-acid change (threonine 327 retained).
Molecular consequence: synonymous variant.
Genome position (GRCh38, 1-based): chr3:14,139,278, A>G. VCF-style: chr3-14139278-A-G. GRCh37 (hg19) VCF-style: chr3-14180778-A-G.
Identifiers: ClinVar variation 534764 (VCV000534764.17), dbSNP rs764960823, ClinGen allele CA056357.
Genomic context (GRCh38, chr3:14,139,278, plus strand): 5'-GACCTGGGGCCTGCGGGCAGCTGGCTGGATGGCCATGTTCATGGGCCTCAACCTTATGAC[A>G]CGGATCCTCTACACCTTGGGTAGGTGTTGGGGTGGGTCACTGCCCTCCCTCCTGCACCCT-3'
Protein context (NP_077310.1, residues 317-337): MAMFMGLNLM[Thr327=]RILYTLVDWF